The following is an entry in ClinVar:

NM_003458.4(BSN):c.1172C>A (p.Ala391Asp)

Gene: BSN (bassoon presynaptic cytomatrix protein; plus strand). Cytogenetic location: 3p21.31.
Variant type: single nucleotide variant.
Coding change: c.1172C>A on transcript NM_003458.4 (MANE Select); coding-DNA position 1172, C replaced by A.
Protein change: p.Ala391Asp; replaces alanine 391 with aspartic acid.
Molecular consequence: missense variant.
Genome position (GRCh38, 1-based): chr3:49,642,806, C>A. VCF-style: chr3-49642806-C-A. GRCh37 (hg19) VCF-style: chr3-49680239-C-A.
Other names: short protein forms A391D.
Identifiers: ClinVar variation 4536525 (VCV004536525.1).

ClinVar aggregate classification (germline): Uncertain significance (1 of 4 stars; one submission).

Submission:

GeneDx
Classification: Uncertain significance. Last evaluated: 2025-06-04. Review status: criteria provided, single submitter. Criteria: GeneDx Variant Classification Process June 2021. Collection method: clinical testing. Allele origin: germline. Affected: yes.
Comment: Not observed at significant frequency in large population cohorts (gnomAD); In silico analysis suggests that this missense variant does not alter protein structure/function; Has not been previously published as pathogenic or benign to our knowledge